The following is an entry in ClinVar:

ClinVar aggregate classification (germline): Uncertain significance (1 of 4 stars; one submission).

Conditions:
Familial thoracic aortic aneurysm and aortic dissection (TAAD). Also called: Thoracic aortic aneurysms and dissections. Identifiers: Orphanet 91387, MedGen C4707243, MONDO:0019625.

gnomAD v4.1: 1 of 1,614,112 alleles (0.000062%); highest among the groups gnomAD compares: South Asian, 0.0011%; no homozygotes.

Submission:

Color Diagnostics, LLC DBA Color Health
Classification: Uncertain significance for Familial thoracic aortic aneurysm and aortic dissection. Last evaluated: 2025-10-03. Review status: criteria provided, single submitter. Criteria: ACMG Guidelines, 2015. Collection method: clinical testing. Allele origin: germline.
Comment: This missense variant replaces valine with leucine at codon 1055 of the COL3A1 protein. Computational prediction suggests that this variant may not impact protein structure and function. To our knowledge, functional studies have not been reported for this variant. This variant has not been reported in individuals affected with COL3A1-related disorders in the literature. This variant has been identified in 1/1461806 chromosomes in the general population by the Genome Aggregation Database (gnomAD). The available evidence is insufficient to determine the role of this variant in disease conclusively. Therefore, this variant is classified as a Variant of Uncertain Significance.

NM_000090.4(COL3A1):c.3163G>C (p.Val1055Leu)

Gene: COL3A1 (collagen type III alpha 1 chain; plus strand). Cytogenetic location: 2q32.2.
Variant type: single nucleotide variant.
Coding change: c.3163G>C on transcript NM_000090.4 (MANE Select); coding-DNA position 3163, G replaced by C.
Protein change: p.Val1055Leu; replaces valine 1055 with leucine.
Molecular consequence: missense variant.
Genome position (GRCh38, 1-based): chr2:189,006,414, G>C. VCF-style: chr2-189006414-G-C. GRCh37 (hg19) VCF-style: chr2-189871140-G-C.
Other names: short protein forms V1055L.
Identifiers: ClinVar variation 4758172 (VCV004758172.1).